The following is an entry in ClinVar:

NM_001710.6(CFB):c.605G>A (p.Arg202Gln)

Gene: CFB (complement factor B; plus strand). Cytogenetic location: 6p21.33.
Variant type: single nucleotide variant.
Coding change: c.605G>A on transcript NM_001710.6 (MANE Select); coding-DNA position 605, G replaced by A.
Protein change: p.Arg202Gln; replaces arginine 202 with glutamine.
Molecular consequence: missense variant.
Genome position (GRCh38, 1-based): chr6:31,947,468, G>A. VCF-style: chr6-31947468-G-A. GRCh37 (hg19) VCF-style: chr6-31915245-G-A.
Other names: short protein forms R202Q.
Identifiers: ClinVar variation 2892985 (VCV002892985.4), dbSNP rs777849105, ClinGen allele CA3728084.

ClinVar aggregate classification (germline): Conflicting classifications of pathogenicity. Review status: criteria provided, conflicting classifications (1 of 4 stars). 2 submissions from 2 submitters: Uncertain significance (1); Likely benign (1). Last evaluated 2025-08-05.

Conditions:
Inborn genetic diseases. Identifiers: MedGen C0950123, MeSH D030342.

Allele frequency attached by ClinVar (database versions not stated): gnomAD 0.00001; gnomAD exomes 0.00001; TOPMed 0.00002; ExAC 0.00003.

Submissions (2):

Ambry Genetics
Classification: Likely benign for Inborn genetic diseases. Last evaluated: 2025-08-05. Review status: criteria provided, single submitter. Criteria: Ambry Variant Classification Scheme 2023. Collection method: clinical testing. Allele origin: germline.

Labcorp Genetics (formerly Invitae), Labcorp
Classification: Uncertain significance. Last evaluated: 2024-12-19. Review status: criteria provided, single submitter. Criteria: Invitae Variant Classification Sherloc (09022015). Collection method: clinical testing. Allele origin: germline.
Comment: This sequence change replaces arginine, which is basic and polar, with glutamine, which is neutral and polar, at codon 202 of the CFB protein (p.Arg202Gln). This variant is present in population databases (rs777849105, gnomAD 0.006%). This variant has not been reported in the literature in individuals affected with CFB-related conditions. ClinVar contains an entry for this variant (Variation ID: 2892985). Invitae Evidence Modeling of protein sequence and biophysical properties (such as structural, functional, and spatial information, amino acid conservation, physicochemical variation, residue mobility, and thermodynamic stability) indicates that this missense variant is not expected to disrupt CFB protein function with a negative predictive value of 80%. In summary, the available evidence is currently insufficient to determine the role of this variant in disease. Therefore, it has been classified as a Variant of Uncertain Significance.